The following is an entry in ClinVar:

ClinVar aggregate classification (germline): Uncertain significance (1 of 4 stars; one submission).

Conditions:
Hereditary cancer-predisposing syndrome. Also called: Tumor predisposition; Neoplastic Syndromes, Hereditary; Hereditary neoplastic syndrome; Hereditary Cancer Syndrome. Identifiers: Orphanet 140162, MedGen C0027672, MeSH D009386, MONDO:0015356.

gnomAD v4.1: 1 of 1,614,164 alleles (0.000062%); highest among the groups gnomAD compares: Non-Finnish European, 0.000085%; no homozygotes.

Submission:

Ambry Genetics
Classification: Uncertain significance for Hereditary cancer-predisposing syndrome. Last evaluated: 2024-09-14. Review status: criteria provided, single submitter. Criteria: Ambry Variant Classification Scheme 2023. Collection method: clinical testing. Allele origin: germline.
Comment: The p.P226L variant (also known as c.677C>T), located in coding exon 1 of the AXIN2 gene, results from a C to T substitution at nucleotide position 677. The proline at codon 226 is replaced by leucine, an amino acid with similar properties. This amino acid position is highly conserved in available vertebrate species. In addition, this alteration is predicted to be deleterious by in silico analysis. Based on the available evidence, the clinical significance of this variant remains unclear.

NM_004655.4(AXIN2):c.677C>T (p.Pro226Leu)

Gene: AXIN2 (axin 2; minus strand). Cytogenetic location: 17q24.1.
Variant type: single nucleotide variant.
Coding change: c.677C>T on transcript NM_004655.4 (MANE Select); coding-DNA position 677, C replaced by T.
Protein change: p.Pro226Leu; replaces proline 226 with leucine.
Molecular consequence: missense variant.
Genome position (GRCh38, 1-based): chr17:65,557,944, G>A on the plus strand (C>T on the coding strand, the complement: AXIN2 is on the minus strand). VCF-style: chr17-65557944-G-A. GRCh37 (hg19) VCF-style: chr17-63554062-G-A.
Other names: c.677C>T, p.Pro226Leu (NM_001363813.1); short protein forms P226L.
Identifiers: ClinVar variation 3470327 (VCV003470327.1).